The following is an entry in ClinVar:

ClinVar aggregate classification (germline): Uncertain significance (1 of 4 stars; one submission).

gnomAD v4.1: 52 of 1,535,798 alleles (0.0034%); highest among the groups gnomAD compares: Non-Finnish European, 0.0045%; 1 homozygote.

Submission:

Labcorp Genetics (formerly Invitae), Labcorp
Classification: Uncertain significance. Last evaluated: 2022-02-25. Review status: criteria provided, single submitter. Criteria: Invitae Variant Classification Sherloc (09022015). Collection method: clinical testing. Allele origin: germline.
Comment: This sequence change replaces arginine, which is basic and polar, with glutamine, which is neutral and polar, at codon 217 of the MYO18B protein (p.Arg217Gln). This variant is present in population databases (rs754352979, gnomAD 0.006%), including at least one homozygous and/or hemizygous individual. This variant has not been reported in the literature in individuals affected with MYO18B-related conditions. Algorithms developed to predict the effect of missense changes on protein structure and function output the following: SIFT: "Not Available"; PolyPhen-2: "Benign"; Align-GVGD: "Not Available". The glutamine amino acid residue is found in multiple mammalian species, which suggests that this missense change does not adversely affect protein function. In summary, the available evidence is currently insufficient to determine the role of this variant in disease. Therefore, it has been classified as a Variant of Uncertain Significance.

NM_032608.7(MYO18B):c.650G>A (p.Arg217Gln)

Gene: MYO18B (myosin XVIIIB; plus strand). Cytogenetic location: 22q12.1.
Variant type: single nucleotide variant.
Coding change: c.650G>A on transcript NM_032608.7 (MANE Select); coding-DNA position 650, G replaced by A.
Protein change: p.Arg217Gln; replaces arginine 217 with glutamine.
Molecular consequence: missense variant.
Genome position (GRCh38, 1-based): chr22:25,768,566, G>A. VCF-style: chr22-25768566-G-A. GRCh37 (hg19) VCF-style: chr22-26164533-G-A.
Other names: c.650G>A, p.Arg217Gln (NM_001318245.2); short protein forms R217Q.
Identifiers: ClinVar variation 2083555 (VCV002083555.1), dbSNP rs754352979, ClinGen allele CA10159663.